The following is an entry in ClinVar:

NM_025137.4(SPG11):c.1482del (p.Phe494fs)

Gene: SPG11 (SPG11 vesicle trafficking associated, spatacsin; minus strand). Cytogenetic location: 15q21.1.
Variant type: Deletion.
Coding change: c.1482del on transcript NM_025137.4 (MANE Select); coding-DNA position 1482, one base deleted (T; older notation c.1482delT).
Protein change: p.Phe494fs; shifts the reading frame from phenylalanine 494.
Molecular consequence: frameshift variant.
Genome position (GRCh38, 1-based): chr15:44,648,986, A deleted on the plus strand (T on the coding strand, the reverse complement: SPG11 is on the minus strand); the first of 3 consecutive A bases (chr15:44,648,986-44,648,988); deleting any one gives the same sequence. VCF-style (leftmost placement, unchanged base first): chr15-44648985-CA-C. GRCh37 (hg19) VCF-style: chr15-44941183-CA-C.
Other names: c.1482del, p.Phe494fs (NM_001160227.2); c.1480delT, p.Phe494Leufs (NM_001411132.1); short protein forms F494fs.
Identifiers: ClinVar variation 2167063 (VCV002167063.4), dbSNP rs2505710985, ClinGen allele CA2575708967.

ClinVar aggregate classification (germline): Pathogenic (1 of 4 stars; one submission).

Conditions:
Hereditary spastic paraplegia 11. Also called: Nakamura Osame syndrome; Autosomal recessive hereditary spastic paraplegia, mental impairment, and thin corpus callosum; SPASTIC PARAPLEGIA, AUTOSOMAL RECESSIVE, COMPLICATED, WITH THIN CORPUS CALLOSUM; SPASTIC PARAPLEGIA, AUTOSOMAL RECESSIVE, WITH MENTAL IMPAIRMENT AND THIN CORPUS CALLOSUM; Spastic Paraplegia 11; Spastic paraplegia, mental retardation and thin corpus callosum. Identifiers: Orphanet 2822, MedGen C1858479, MONDO:0011445, OMIM 604360.

Submission:

Labcorp Genetics (formerly Invitae), Labcorp
Classification: Pathogenic for Hereditary spastic paraplegia 11. Last evaluated: 2024-02-26. Review status: criteria provided, single submitter. Criteria: Invitae Variant Classification Sherloc (09022015). Collection method: clinical testing. Allele origin: germline.
Comment: This sequence change creates a premature translational stop signal (p.Phe494Leufs*3) in the SPG11 gene. It is expected to result in an absent or disrupted protein product. Loss-of-function variants in SPG11 are known to be pathogenic (PMID: 19105190, 20110243, 22154821, 26556829). This variant is not present in population databases (gnomAD no frequency). This variant has not been reported in the literature in individuals affected with SPG11-related conditions. ClinVar contains an entry for this variant (Variation ID: 2167063). For these reasons, this variant has been classified as Pathogenic.

Literature cited by the submitters: PubMed 19105190; PubMed 20110243; PubMed 22154821; PubMed 26556829.